The following is an entry in ClinVar:

NM_018013.4(SOBP):c.1549C>T (p.Leu517=)

Gene: SOBP (sine oculis binding protein homolog; plus strand). Cytogenetic location: 6q21.
Variant type: single nucleotide variant.
Coding change: c.1549C>T on transcript NM_018013.4 (MANE Select); coding-DNA position 1549, C replaced by T.
Protein change: p.Leu517=; no amino-acid change (leucine 517 retained).
Molecular consequence: synonymous variant.
Genome position (GRCh38, 1-based): chr6:107,634,393, C>T. VCF-style: chr6-107634393-C-T. GRCh37 (hg19) VCF-style: chr6-107955597-C-T.
Identifiers: ClinVar variation 3388829 (VCV003388829.14).

ClinVar aggregate classification (germline): Likely benign (1 of 4 stars; one submission).

gnomAD v4.1: 2 of 1,600,116 alleles (0.00012%); highest among the groups gnomAD compares: Non-Finnish European, 0.00017%; no homozygotes.

Submission:

CeGaT Center for Human Genetics Tuebingen
Classification: Likely benign. Last evaluated: 2024-09-01. Review status: criteria provided, single submitter. Criteria: CeGaT Center For Human Genetics Tuebingen Variant Classification Criteria Version 2. Collection method: clinical testing. Allele origin: germline. Affected: yes. Observed: 1 variant allele.
Comment: SOBP: BP4, BP7